The following is an entry in ClinVar:

ClinVar aggregate classification (germline): Uncertain significance (1 of 4 stars; one submission).

Conditions:
Baller-Gerold syndrome (BGS). Also called: CRANIOSYNOSTOSIS WITH RADIAL DEFECTS. Identifiers: Orphanet 1225, MedGen C0265308, MONDO:0009039, OMIM 218600.

Allele frequency attached by ClinVar (database versions not stated): gnomAD exomes 0.00001.
gnomAD v4.1: 10 of 1,577,874 alleles (0.00063%); highest among the groups gnomAD compares: East Asian, 0.0023%; no homozygotes.

Submission:

Labcorp Genetics (formerly Invitae), Labcorp
Classification: Uncertain significance for Baller-Gerold syndrome. Last evaluated: 2023-10-22. Review status: criteria provided, single submitter. Criteria: Invitae Variant Classification Sherloc (09022015). Collection method: clinical testing. Allele origin: germline.
Comment: This sequence change replaces alanine, which is neutral and non-polar, with valine, which is neutral and non-polar, at codon 890 of the RECQL4 protein (p.Ala890Val). This variant is not present in population databases (gnomAD no frequency). This variant has not been reported in the literature in individuals affected with RECQL4-related conditions. ClinVar contains an entry for this variant (Variation ID: 943729). Advanced modeling of protein sequence and biophysical properties (such as structural, functional, and spatial information, amino acid conservation, physicochemical variation, residue mobility, and thermodynamic stability) performed at Invitae indicates that this missense variant is not expected to disrupt RECQL4 protein function. In summary, the available evidence is currently insufficient to determine the role of this variant in disease. Therefore, it has been classified as a Variant of Uncertain Significance.

NM_004260.4(RECQL4):c.2669C>T (p.Ala890Val)

Gene: RECQL4 (RecQ like helicase 4; minus strand). Cytogenetic location: 8q24.3.
Variant type: single nucleotide variant.
Coding change: c.2669C>T on transcript NM_004260.4 (MANE Select); coding-DNA position 2669, C replaced by T.
Protein change: p.Ala890Val; replaces alanine 890 with valine.
Molecular consequence: missense variant.
Genome position (GRCh38, 1-based): chr8:144,512,933, G>A on the plus strand (C>T on the coding strand, the complement: RECQL4 is on the minus strand). VCF-style: chr8-144512933-G-A. GRCh37 (hg19) VCF-style: chr8-145738316-G-A.
Other names: short protein forms A890V.
Identifiers: ClinVar variation 943729 (VCV000943729.6), dbSNP rs1827530347, ClinGen allele CA372675425.